The following is an entry in ClinVar:

ClinVar aggregate classification (germline): Uncertain significance. Review status: criteria provided, multiple submitters, no conflicts (2 of 4 stars). 6 submissions from 6 submitters: Uncertain significance (6). Last evaluated 2025-04-14.

Conditions:
Arrhythmogenic cardiomyopathy with wooly hair and keratoderma. Also called: PALMOPLANTAR KERATODERMA WITH LEFT VENTRICULAR CARDIOMYOPATHY AND WOOLLY HAIR; Arrhythmogenic cardiomyopathy with woolly hair and keratoderma; Dilated cardiomyopathy with woolly hair and keratoderma; Carvajal syndrome. Identifiers: Orphanet 65282, MedGen C1854063, MONDO:0011581, OMIM 605676.
Arrhythmogenic right ventricular dysplasia 8 (ARVD8). Also called: Arrhythmogenic Right Ventricular Dysplasia/Cardiomyopathy 8; ARRHYTHMOGENIC RIGHT VENTRICULAR DYSPLASIA, FAMILIAL, 8; ARRHYTHMOGENIC RIGHT VENTRICULAR CARDIOMYOPATHY 8. Identifiers: MedGen C1843896, MONDO:0011831, OMIM 607450.
Cardiomyopathy (CMYO). Also called: Cardiomyopathies. Identifiers: Orphanet 167848, MedGen C0878544, MONDO:0004994, HP:0001638. Inheritance: Various modes of inheritance.

Allele frequency attached by ClinVar (database versions not stated): gnomAD exomes 0.00001 and 0.00002.

Submissions (6):

Color Diagnostics, LLC DBA Color Health
Classification: Uncertain significance for Cardiomyopathy. Last evaluated: 2025-04-14. Review status: criteria provided, single submitter. Criteria: ACMG Guidelines, 2015. Collection method: clinical testing. Allele origin: germline.
Comment: This missense variant replaces glutamic acid with lysine at codon 2109 of the DSP protein. Computational prediction suggests that this variant may not impact protein structure and function. To our knowledge, functional studies have not been reported for this variant. This variant has not been reported in individuals affected with cardiovascular disorders in the literature. This variant has been identified in 2/251414 chromosomes in the general population by the Genome Aggregation Database (gnomAD). The available evidence is insufficient to determine the role of this variant in disease conclusively. Therefore, this variant is classified as a Variant of Uncertain Significance.

Labcorp Genetics (formerly Invitae), Labcorp
Classification: Uncertain significance for Arrhythmogenic cardiomyopathy with wooly hair and keratoderma; Arrhythmogenic right ventricular dysplasia 8. Last evaluated: 2024-08-13. Review status: criteria provided, single submitter. Criteria: Invitae Variant Classification Sherloc (09022015). Collection method: clinical testing. Allele origin: germline.
Comment: This sequence change replaces glutamic acid, which is acidic and polar, with lysine, which is basic and polar, at codon 2109 of the DSP protein (p.Glu2109Lys). This variant is present in population databases (rs397516951, gnomAD 0.002%). This variant has not been reported in the literature in individuals affected with DSP-related conditions. ClinVar contains an entry for this variant (Variation ID: 44937). An algorithm developed to predict the effect of missense changes on protein structure and function (PolyPhen-2) suggests that this variant is likely to be disruptive. In summary, the available evidence is currently insufficient to determine the role of this variant in disease. Therefore, it has been classified as a Variant of Uncertain Significance.

Mayo Clinic Laboratories, Mayo Clinic
Classification: Uncertain significance. Last evaluated: 2024-07-16. Review status: criteria provided, single submitter. Criteria: ACMG Guidelines, 2015. Collection method: clinical testing. Allele origin: germline. Observed: 1 variant allele.

All of Us Research Program, National Institutes of Health
Classification: Uncertain significance for Arrhythmogenic cardiomyopathy with wooly hair and keratoderma. Last evaluated: 2023-08-15. Review status: criteria provided, single submitter. Criteria: ACMG Guidelines, 2015. Collection method: clinical testing. Allele origin: germline. Inheritance: Autosomal dominant inheritance. Observed: 1 variant allele, 1 heterozygote.
Comment: This missense variant replaces glutamic acid with lysine at codon 2109 of the DSP protein. Computational prediction suggests that this variant may not impact protein structure and function (internally defined REVEL score threshold <= 0.5, PMID: 27666373). To our knowledge, functional studies have not been reported for this variant. This variant has not been reported in individuals affected with cardiovascular disorders in the literature. This variant has been identified in 2/251414 chromosomes in the general population by the Genome Aggregation Database (gnomAD). The available evidence is insufficient to determine the role of this variant in disease conclusively. Therefore, this variant is classified as a Variant of Uncertain Significance.

This study involves interpretation of variants in research participants for the purpose of population health screening. Participant phenotype was not available at the time of variant classification. Additional details can be found in publication PMID: 35346344, PMCID: PMC8962531

Blueprint Genetics
Classification: Uncertain significance. Last evaluated: 2019-11-11. Review status: criteria provided, single submitter. Criteria: ACMG Guidelines, 2015. Collection method: clinical testing. Allele origin: germline.

Laboratory for Molecular Medicine, Mass General Brigham Personalized Medicine
Classification: Uncertain significance. Last evaluated: 2012-05-03. Review status: criteria provided, single submitter. Criteria: LMM Criteria. Collection method: clinical testing. Allele origin: germline. Observed: 3 variant alleles.
Comment: The Glu2109Lys variant in DSP has not been reported in the literature and has no t been detected in a large and broad population screened by the NHLBI Exome Sequ encing Project. Computational analyses ( biochemical amino acid properties, conservation, AlignGVGD, PolyPhen2, and SIFT) do not provide strong support for or against an impact to the protein. The low population frequency of this variant supports a pathogenic role but is insuffici ent to establish this with certainty. Additional information is needed to fully assess the clinical significance of the Glu2109Lys variant.

NM_004415.4(DSP):c.6325G>A (p.Glu2109Lys)

Gene: DSP (desmoplakin; plus strand). Cytogenetic location: 6p24.3.
Variant type: single nucleotide variant.
Coding change: c.6325G>A on transcript NM_004415.4 (MANE Select); coding-DNA position 6325, G replaced by A.
Protein change: p.Glu2109Lys; replaces glutamic acid 2109 with lysine.
Molecular consequence: missense variant.
Genome position (GRCh38, 1-based): chr6:7,583,587, G>A. VCF-style: chr6-7583587-G-A. GRCh37 (hg19) VCF-style: chr6-7583820-G-A.
Other names: c.4528G>A, p.Glu1510Lys (NM_001008844.3); c.4996G>A, p.Glu1666Lys (NM_001319034.2); short protein forms E2109K, E1666K, E1510K.
Identifiers: ClinVar variation 44937 (VCV000044937.16), dbSNP rs397516951, ClinGen allele CA006863.